The following is an entry in ClinVar:

NM_000391.4(TPP1):c.-3A>G

Gene: TPP1 (tripeptidyl peptidase 1; minus strand). Cytogenetic location: 11p15.4.
Variant type: single nucleotide variant.
Coding change: c.-3A>G on transcript NM_000391.4 (MANE Select); 3 bases upstream of the start codon, A replaced by G.
Molecular consequence: 5 prime UTR variant.
Genome position (GRCh38, 1-based): chr11:6,619,403, T>C on the plus strand (A>G on the coding strand, the complement: TPP1 is on the minus strand). VCF-style: chr11-6619403-T-C. GRCh37 (hg19) VCF-style: chr11-6640634-T-C.
Identifiers: ClinVar variation 378752 (VCV000378752.3), dbSNP rs762785189, ClinGen allele CA5859108.

ClinVar aggregate classification (germline): Conflicting classifications of pathogenicity. Review status: criteria provided, conflicting classifications (1 of 4 stars). 2 submissions from 2 submitters: Uncertain significance (1); Likely benign (1). Last evaluated 2020-04-20.

Conditions:
Inborn genetic diseases. Identifiers: MedGen C0950123, MeSH D030342.

Allele frequency attached by ClinVar (database versions not stated): ExAC 0.00002; gnomAD exomes 0.00003; TOPMed 0.00003; gnomAD 0.00004 and 0.00005.
gnomAD v4.1: 47 of 1,614,114 alleles (0.0029%); highest among the groups gnomAD compares: South Asian, 0.0066%; no homozygotes.

Submissions (2):

Ambry Genetics
Classification: Uncertain significance for Inborn genetic diseases. Last evaluated: 2020-04-20. Review status: criteria provided, single submitter. Criteria: Ambry Variant Classification Scheme 2023. Collection method: clinical testing. Allele origin: germline.
Comment: The c.-3A>G variant is located in the 5' untranslated region (5&rsquo; UTR) of the TPP1 gene. This variant results from an A to G substitution 3 bases upstream from the first translated codon. This nucleotide position is not well conserved in available vertebrate species. Since supporting evidence is limited at this time, the clinical significance of this alteration remains unclear.

GeneDx
Classification: Likely benign. Last evaluated: 2016-03-29. Review status: criteria provided, single submitter. Criteria: GeneDx Variant Classification (06012015). Collection method: clinical testing. Allele origin: germline. Affected: yes.
Comment: This variant is considered likely benign or benign based on one or more of the following criteria: it is a conservative change, it occurs at a poorly conserved position in the protein, it is predicted to be benign by multiple in silico algorithms, and/or has population frequency not consistent with disease.